The following is an entry in ClinVar:

NM_138395.4(MARS2):c.1073C>G (p.Pro358Arg)

Gene: MARS2 (methionyl-tRNA synthetase 2, mitochondrial; plus strand). Cytogenetic location: 2q33.1.
Variant type: single nucleotide variant.
Coding change: c.1073C>G on transcript NM_138395.4 (MANE Select); coding-DNA position 1073, C replaced by G.
Protein change: p.Pro358Arg; replaces proline 358 with arginine.
Molecular consequence: missense variant.
Genome position (GRCh38, 1-based): chr2:197,706,478, C>G. VCF-style: chr2-197706478-C-G. GRCh37 (hg19) VCF-style: chr2-198571202-C-G.
Other names: short protein forms P358R.
Identifiers: ClinVar variation 3674812 (VCV003674812.2).
Genomic context (GRCh38, chr2:197,706,478, plus strand): 5'-ATTCCCACTGGACAGTCTGTGGCCAAAAGATGTCCAAGAGCTTGGGCAACGTGGTGGATC[C>G]TAGGACTTGCCTTAACCGCTATACCGTGGATGGCTTCCGCTACTTTCTCCTTCGGCAGGG-3'
Protein context (NP_612404.1, residues 348-368): MSKSLGNVVD[Pro358Arg]RTCLNRYTVD

ClinVar aggregate classification (germline): Uncertain significance (1 of 4 stars; one submission).

gnomAD v4.1: 9 of 1,613,660 alleles (0.00056%); highest among the groups gnomAD compares: Non-Finnish European, 0.00059%; no homozygotes.

Submission:

Labcorp Genetics (formerly Invitae), Labcorp
Classification: Uncertain significance. Last evaluated: 2025-02-03. Review status: criteria provided, single submitter. Criteria: Invitae Variant Classification Sherloc (09022015). Collection method: clinical testing. Allele origin: germline.
Comment: This sequence change replaces proline, which is neutral and non-polar, with arginine, which is basic and polar, at codon 358 of the MARS2 protein (p.Pro358Arg). This variant is not present in population databases (gnomAD no frequency). This variant has not been reported in the literature in individuals affected with MARS2-related conditions. Invitae Evidence Modeling of protein sequence and biophysical properties (such as structural, functional, and spatial information, amino acid conservation, physicochemical variation, residue mobility, and thermodynamic stability) indicates that this missense variant is expected to disrupt MARS2 protein function with a positive predictive value of 80%. In summary, the available evidence is currently insufficient to determine the role of this variant in disease. Therefore, it has been classified as a Variant of Uncertain Significance.